The following is an entry in ClinVar:

NM_182914.3(SYNE2):c.8639C>G (p.Ser2880Cys)

Gene: SYNE2 (spectrin repeat containing nuclear envelope protein 2; plus strand). Cytogenetic location: 14q23.2.
Variant type: single nucleotide variant.
Coding change: c.8639C>G on transcript NM_182914.3 (MANE Select); coding-DNA position 8639, C replaced by G.
Protein change: p.Ser2880Cys; replaces serine 2880 with cysteine.
Molecular consequence: missense variant.
Genome position (GRCh38, 1-based): chr14:64,052,552, C>G. VCF-style: chr14-64052552-C-G. GRCh37 (hg19) VCF-style: chr14-64519270-C-G.
Other names: c.8639C>G, p.Ser2880Cys (NM_015180.6); short protein forms S2880C.
Identifiers: ClinVar variation 1430043 (VCV001430043.8), dbSNP rs772011011, ClinGen allele CA7221143.

ClinVar aggregate classification (germline): Uncertain significance (1 of 4 stars; one submission).

Conditions:
Emery-Dreifuss muscular dystrophy 5, autosomal dominant (EDMD5). Also called: EMERY-DREIFUSS MUSCULAR DYSTROPHY 5. Identifiers: Orphanet 261, MedGen C2751805, MONDO:0013072, OMIM 612999.

Allele frequency attached by ClinVar (database versions not stated): gnomAD exomes below 0.00001 and 0.00005; ExAC 0.00001; gnomAD 0.00001; TOPMed 0.00003.
gnomAD v4.1: 75 of 1,614,002 alleles (0.0046%); highest among the groups gnomAD compares: Non-Finnish European, 0.0061%; no homozygotes.

Submission:

Labcorp Genetics (formerly Invitae), Labcorp
Classification: Uncertain significance for Emery-Dreifuss muscular dystrophy 5, autosomal dominant. Last evaluated: 2025-06-27. Review status: criteria provided, single submitter. Criteria: Invitae Variant Classification Sherloc (09022015). Collection method: clinical testing. Allele origin: germline.
Comment: This sequence change replaces serine, which is neutral and polar, with cysteine, which is neutral and slightly polar, at codon 2880 of the SYNE2 protein (p.Ser2880Cys). This variant is present in population databases (rs772011011, gnomAD 0.0009%). This variant has not been reported in the literature in individuals affected with SYNE2-related conditions. ClinVar contains an entry for this variant (Variation ID: 1430043). An algorithm developed to predict the effect of missense changes on protein structure and function (PolyPhen-2) suggests that this variant is likely to be disruptive. In summary, the available evidence is currently insufficient to determine the role of this variant in disease. Therefore, it has been classified as a Variant of Uncertain Significance.